The following is an entry in ClinVar:

ClinVar aggregate classification (germline): Uncertain significance (1 of 4 stars; one submission).

Conditions:
Inborn genetic diseases. Identifiers: MedGen C0950123, MeSH D030342.

Allele frequency attached by ClinVar (database versions not stated): TOPMed below 0.00001; gnomAD 0.00001.
gnomAD v4.1: 1 of 1,611,780 alleles (0.000062%); highest among the groups gnomAD compares: Admixed American, 0.0017%; no homozygotes.

Submission:

Ambry Genetics
Classification: Uncertain significance for Inborn genetic diseases. Last evaluated: 2022-01-11. Review status: criteria provided, single submitter. Criteria: Ambry Variant Classification Scheme 2023. Collection method: clinical testing. Allele origin: germline.
Comment: The p.E2085G variant (also known as c.6254A>G), located in coding exon 42 of the LRRK2 gene, results from an A to G substitution at nucleotide position 6254. The glutamic acid at codon 2085 is replaced by glycine, an amino acid with similar properties. This amino acid position is conserved. In addition, this alteration is predicted to be deleterious by in silico analysis. Since supporting evidence is limited at this time, the clinical significance of this alteration remains unclear.

NM_198578.4(LRRK2):c.6254A>G (p.Glu2085Gly)

Gene: LRRK2 (leucine rich repeat kinase 2; plus strand). Cytogenetic location: 12q12.
Variant type: single nucleotide variant.
Coding change: c.6254A>G on transcript NM_198578.4 (MANE Select); coding-DNA position 6254, A replaced by G.
Protein change: p.Glu2085Gly; replaces glutamic acid 2085 with glycine.
Molecular consequence: missense variant.
Genome position (GRCh38, 1-based): chr12:40,346,897, A>G. VCF-style: chr12-40346897-A-G. GRCh37 (hg19) VCF-style: chr12-40740699-A-G.
Other names: short protein forms E2085G.
Identifiers: ClinVar variation 1752453 (VCV001752453.2), dbSNP rs1164441041, ClinGen allele CA384405648.